The following is an entry in ClinVar:

NM_004360.5(CDH1):c.121G>T (p.Val41Leu)

Gene: CDH1 (cadherin 1; plus strand). Cytogenetic location: 16q22.1.
Variant type: single nucleotide variant.
Coding change: c.121G>T on transcript NM_004360.5 (MANE Select); coding-DNA position 121, G replaced by T.
Protein change: p.Val41Leu; replaces valine 41 with leucine.
Molecular consequence: missense variant. On other transcripts: 5 prime UTR variant (2).
Genome position (GRCh38, 1-based): chr16:68,738,369, G>T. VCF-style: chr16-68738369-G-T. GRCh37 (hg19) VCF-style: chr16-68772272-G-T.
Other names: NM_004360.5(CDH1):c.121G>T; p.Val41Leu; c.121G>T (LRG_301t1); c.121G>T, p.Val41Leu (NM_001317184.2); c.-1495G>T (NM_001317185.2); c.-1699G>T (NM_001317186.2); short protein forms V41L.
Identifiers: ClinVar variation 481692 (VCV000481692.13), dbSNP rs786202465, ClinGen allele CA396452116.

ClinVar aggregate classification (germline): Uncertain significance. Review status: reviewed by expert panel (3 of 4 stars). 3 submissions from 3 submitters: Uncertain significance (1). 2 of the submissions do not count toward it. Last evaluated 2023-08-02.

Conditions:
CDH1-related diffuse gastric and lobular breast cancer syndrome. Also called: CDH1-related diffuse gastric and lobular breast cancer. Identifiers: MedGen CN311521, MONDO:0100488.
Hereditary cancer-predisposing syndrome. Also called: Hereditary neoplastic syndrome; Neoplastic Syndromes, Hereditary; Tumor predisposition; Hereditary Cancer Syndrome. Identifiers: Orphanet 140162, MedGen C0027672, MeSH D009386, MONDO:0015356.
Hereditary diffuse gastric adenocarcinoma (HDGC). Also called: DIFFUSE GASTRIC AND LOBULAR BREAST CANCER SYNDROME. Identifiers: Orphanet 26106, MedGen C1708349, MONDO:0007648, OMIM 137215.

Allele frequency attached by ClinVar (database versions not stated): gnomAD exomes below 0.00001; TOPMed 0.00001.
gnomAD v4.1: 1 of 1,551,078 alleles (0.000064%); highest among the groups gnomAD compares: Non-Finnish European, 0.000087%; no homozygotes.

Submissions (3):

Clingen Gastric Cancer Variant Curation Expert Panel
Classification: Uncertain significance for CDH1-related diffuse gastric and lobular breast cancer syndrome. Last evaluated: 2023-08-02. Review status: reviewed by expert panel. Criteria: ClinGen CDH1 ACMG Specifications V3.1. Collection method: curation. Allele origin: germline. Inheritance: Autosomal dominant inheritance.
Comment: The c.121G>T (NM_004360.5) variant in CDH1 is a missense variant predicted to predicted to cause substitution of Val by Leu at amino acid 41 (p.Val41Leu). This variant has been observed in Variant seen in >3 heterozygous individuals without GC, DGC, SRC tumours or LBC and whose families do not suggest HDGC (BS2_Supporting; Ambry, GeneDx, Invitae). This variant is absent from gnomAD 2.1.1 (PM2_Supporting). In summary, this variant is classified as uncertain significance for DGLBCS based on the ACMG/AMP criteria applied, as specified by the ClinGen CDH1 VCEP: PM2_Supporting, BS2_Supporting. (CDH1 VCEP specifications version 3.1; 04/24/2023)

Labcorp Genetics (formerly Invitae), Labcorp
Classification: Uncertain significance for Hereditary diffuse gastric adenocarcinoma. Last evaluated: 2025-09-03. Review status: criteria provided, single submitter. Criteria: Invitae Variant Classification Sherloc (09022015). Collection method: clinical testing. Allele origin: germline. Not counted in ClinVar's aggregate classification.
Comment: This sequence change replaces valine, which is neutral and non-polar, with leucine, which is neutral and non-polar, at codon 41 of the CDH1 protein (p.Val41Leu). This variant is not present in population databases (gnomAD no frequency). This variant has not been reported in the literature in individuals affected with CDH1-related conditions. ClinVar contains an entry for this variant (Variation ID: 481692). An algorithm developed to predict the effect of missense changes on protein structure and function (PolyPhen-2) suggests that this variant is likely to be disruptive. In summary, the available evidence is currently insufficient to determine the role of this variant in disease. Therefore, it has been classified as a Variant of Uncertain Significance.

Ambry Genetics
Classification: Uncertain significance for Hereditary cancer-predisposing syndrome. Last evaluated: 2024-04-14. Review status: criteria provided, single submitter. Criteria: Ambry Variant Classification Scheme 2023. Collection method: clinical testing. Allele origin: germline. Not counted in ClinVar's aggregate classification.
Comment: The p.V41L variant (also known as c.121G>T), located in coding exon 2 of the CDH1 gene, results from a G to T substitution at nucleotide position 121. The valine at codon 41 is replaced by leucine, an amino acid with highly similar properties. This amino acid position is highly conserved in available vertebrate species. In addition, this alteration is predicted to be tolerated by in silico analysis. Since supporting evidence is limited at this time, the clinical significance of this alteration remains unclear.